The following is an entry in ClinVar:

ClinVar aggregate classification (germline): Conflicting classifications of pathogenicity. Review status: criteria provided, conflicting classifications (1 of 4 stars). 2 submissions from 2 submitters: Likely pathogenic (1); Uncertain significance (1). Last evaluated 2025-11-26.

Conditions:
Deficiency of alpha-mannosidase (MANSA). Also called: Alpha-Mannosidosis; Mannosidosis, alpha-, types I and II; LYSOSOMAL ALPHA-D-MANNOSIDASE DEFICIENCY. Identifiers: Orphanet 61, MedGen C0024748, MONDO:0009561, OMIM 248500.

gnomAD v4.1: 3 of 1,602,342 alleles (0.00019%); highest among the groups gnomAD compares: Non-Finnish European, 0.00026%; no homozygotes.

Submissions (2):

Myriad Genetics, Inc.
Classification: Uncertain significance for Deficiency of alpha-mannosidase. Last evaluated: 2025-11-26. Review status: criteria provided, single submitter. Criteria: Myriad Autosomal Dominant, Autosomal Recessive and X-Linked Classification Criteria (2023). Collection method: clinical testing. Allele origin: unknown.
Comment: NM_000528.3(MAN2B1):c.2248C>G(R750G) is a missense variant classified as a variant of uncertain significance in the context of alpha-mannosidosis. R750G has not been observed in cases with relevant disease. Relevant functional assessments of this variant are not available in the literature. R750G has been observed in referenced population frequency databases. In summary, there is insufficient evidence to classify NM_000528.3(MAN2B1):c.2248C>G(R750G) as pathogenic or benign. Please note: this variant was assessed in the context of healthy population screening.

Labcorp Genetics (formerly Invitae), Labcorp
Classification: Likely pathogenic for Deficiency of alpha-mannosidase. Last evaluated: 2024-10-26. Review status: criteria provided, single submitter. Criteria: Invitae Variant Classification Sherloc (09022015). Collection method: clinical testing. Allele origin: germline.
Comment: This sequence change replaces arginine, which is basic and polar, with glycine, which is neutral and non-polar, at codon 750 of the MAN2B1 protein (p.Arg750Gly). This variant is present in population databases (no rsID available, gnomAD 0.0008%). This variant has not been reported in the literature in individuals affected with MAN2B1-related conditions. ClinVar contains an entry for this variant (Variation ID: 1498522). Invitae Evidence Modeling of protein sequence and biophysical properties (such as structural, functional, and spatial information, amino acid conservation, physicochemical variation, residue mobility, and thermodynamic stability) has been performed for this missense variant. However, the output from this modeling did not meet the statistical confidence thresholds required to predict the impact of this variant on MAN2B1 protein function. This variant disrupts the p.Arg750 amino acid residue in MAN2B1. Other variant(s) that disrupt this residue have been determined to be pathogenic (PMID: 9758606, 9915946, 15035660, 22161967). This suggests that this residue is clinically significant, and that variants that disrupt this residue are likely to be disease-causing. In summary, the currently available evidence indicates that the variant is pathogenic, but additional data are needed to prove that conclusively. Therefore, this variant has been classified as Likely Pathogenic.

Literature cited by the submitters: PubMed 9758606 (cited by Labcorp Genetics (formerly Invitae), Labcorp); PubMed 9915946 (cited by Labcorp Genetics (formerly Invitae), Labcorp); PubMed 15035660 (cited by Labcorp Genetics (formerly Invitae), Labcorp); PubMed 22161967 (cited by Labcorp Genetics (formerly Invitae), Labcorp).

NM_000528.4(MAN2B1):c.2248C>G (p.Arg750Gly)

Gene: MAN2B1 (mannosidase alpha class 2B member 1; minus strand). Cytogenetic location: 19p13.13.
Variant type: single nucleotide variant.
Coding change: c.2248C>G on transcript NM_000528.4 (MANE Select); coding-DNA position 2248, C replaced by G.
Protein change: p.Arg750Gly; replaces arginine 750 with glycine.
Molecular consequence: missense variant.
Genome position (GRCh38, 1-based): chr19:12,649,932, G>C on the plus strand (C>G on the coding strand, the complement: MAN2B1 is on the minus strand). VCF-style: chr19-12649932-G-C. GRCh37 (hg19) VCF-style: chr19-12760746-G-C.
Other names: c.2245C>G, p.Arg749Gly (NM_001173498.2); short protein forms R750G, R749G.
Identifiers: ClinVar variation 1498522 (VCV001498522.9), dbSNP rs80338680, ClinGen allele CA404242568.